The following is an entry in ClinVar:

NM_001013838.3(CARMIL2):c.2050C>T (p.Arg684Cys)

Gene: CARMIL2 (capping protein regulator and myosin 1 linker 2; plus strand). Cytogenetic location: 16q22.1.
Variant type: single nucleotide variant.
Coding change: c.2050C>T on transcript NM_001013838.3 (MANE Select); coding-DNA position 2050, C replaced by T.
Protein change: p.Arg684Cys; replaces arginine 684 with cysteine.
Molecular consequence: missense variant.
Genome position (GRCh38, 1-based): chr16:67,649,936, C>T. VCF-style: chr16-67649936-C-T. GRCh37 (hg19) VCF-style: chr16-67683839-C-T.
Other names: c.1942C>T, p.Arg648Cys (NM_001317026.3); short protein forms R648C, R684C.
Identifiers: ClinVar variation 1494014 (VCV001494014.5), dbSNP rs567410631, ClinGen allele CA8113645.

ClinVar aggregate classification (germline): Uncertain significance (1 of 4 stars; one submission).

Allele frequency attached by ClinVar (database versions not stated): gnomAD 0.00004; TOPMed 0.00004; ExAC 0.00006; gnomAD exomes 0.00008; 1000 Genomes Project 0.00020; 1000 Genomes Project 30x 0.00031.
gnomAD v4.1: 38 of 1,613,274 alleles (0.0024%); highest among the groups gnomAD compares: Admixed American, 0.027%; no homozygotes.

Submission:

Labcorp Genetics (formerly Invitae), Labcorp
Classification: Uncertain significance. Last evaluated: 2022-05-20. Review status: criteria provided, single submitter. Criteria: Invitae Variant Classification Sherloc (09022015). Collection method: clinical testing. Allele origin: germline.
Comment: This sequence change replaces arginine, which is basic and polar, with cysteine, which is neutral and slightly polar, at codon 684 of the CARMIL2 protein (p.Arg684Cys). This variant is present in population databases (rs567410631, gnomAD 0.03%). This variant has not been reported in the literature in individuals affected with CARMIL2-related conditions. Algorithms developed to predict the effect of missense changes on protein structure and function are either unavailable or do not agree on the potential impact of this missense change (SIFT: "Deleterious"; PolyPhen-2: "Benign"; Align-GVGD: "Class C0"). In summary, the available evidence is currently insufficient to determine the role of this variant in disease. Therefore, it has been classified as a Variant of Uncertain Significance.